The following is an entry in ClinVar:

ClinVar aggregate classification (germline): Uncertain significance (1 of 4 stars; one submission).

Submission:

Labcorp Genetics (formerly Invitae), Labcorp
Classification: Uncertain significance. Last evaluated: 2023-10-13. Review status: criteria provided, single submitter. Criteria: Invitae Variant Classification Sherloc (09022015). Collection method: clinical testing. Allele origin: germline.
Comment: This sequence change replaces proline, which is neutral and non-polar, with leucine, which is neutral and non-polar, at codon 964 of the BRD4 protein (p.Pro964Leu). This variant is not present in population databases (gnomAD no frequency). This variant has not been reported in the literature in individuals affected with BRD4-related conditions. An algorithm developed to predict the effect of missense changes on protein structure and function (PolyPhen-2) suggests that this variant is likely to be disruptive. In summary, the available evidence is currently insufficient to determine the role of this variant in disease. Therefore, it has been classified as a Variant of Uncertain Significance.

NM_001379291.1(BRD4):c.2891C>T (p.Pro964Leu)

Gene: BRD4 (bromodomain containing 4; minus strand). Cytogenetic location: 19p13.12.
Variant type: single nucleotide variant.
Coding change: c.2891C>T on transcript NM_001379291.1 (MANE Select); coding-DNA position 2891, C replaced by T.
Protein change: p.Pro964Leu; replaces proline 964 with leucine.
Molecular consequence: missense variant.
Genome position (GRCh38, 1-based): chr19:15,243,178, G>A on the plus strand (C>T on the coding strand, the complement: BRD4 is on the minus strand). VCF-style: chr19-15243178-G-A. GRCh37 (hg19) VCF-style: chr19-15353989-G-A.
Other names: c.2891C>T, p.Pro964Leu (NM_058243.3); short protein forms P964L.
Identifiers: ClinVar variation 2860840 (VCV002860840.3), dbSNP rs2047254044, ClinGen allele CA404504282.